The following is an entry in ClinVar:

ClinVar aggregate classification (germline): Likely benign. Review status: criteria provided, multiple submitters, no conflicts (2 of 4 stars). 5 submissions from 5 submitters: Likely benign (5). Last evaluated 2024-06-11.

Conditions:
Cardiovascular phenotype. Identifiers: MedGen CN230736.
Cardiomyopathy (CMYO). Also called: Cardiomyopathies. Identifiers: Orphanet 167848, MedGen C0878544, MONDO:0004994, HP:0001638. Inheritance: Various modes of inheritance.
Hypertrophic cardiomyopathy. Also called: HYPERTROPHIC MYOCARDIOPATHY. Identifiers: Orphanet 217569, MedGen C0007194, MeSH D002312, MONDO:0005045, HP:0001639.

Allele frequency attached by ClinVar (database versions not stated): TOPMed below 0.00001; gnomAD 0.00001; ExAC 0.00002; gnomAD exomes 0.00002 and 0.00003.
gnomAD v4.1: 21 of 1,614,082 alleles (0.0013%); highest among the groups gnomAD compares: East Asian, 0.047%; no homozygotes.

Submissions (5):

All of Us Research Program, National Institutes of Health
Classification: Likely benign for Hypertrophic cardiomyopathy. Last evaluated: 2024-06-11. Review status: criteria provided, single submitter. Criteria: ACMG Guidelines, 2015. Collection method: clinical testing. Allele origin: germline. Inheritance: Autosomal dominant inheritance. Observed: 4 variant alleles, 4 heterozygotes.
Comment: This study involves interpretation of variants in research participants for the purpose of population health screening. Participant phenotype was not available at the time of variant classification. Additional details can be found in publication PMID: 35346344, PMCID: PMC8962531

Labcorp Genetics (formerly Invitae), Labcorp
Classification: Likely benign for Hypertrophic cardiomyopathy. Last evaluated: 2023-12-14. Review status: criteria provided, single submitter. Criteria: Invitae Variant Classification Sherloc (09022015). Collection method: clinical testing. Allele origin: germline.

Ambry Genetics
Classification: Likely benign for Cardiovascular phenotype. Last evaluated: 2022-07-17. Review status: criteria provided, single submitter. Criteria: Ambry Variant Classification Scheme 2023. Collection method: clinical testing. Allele origin: germline.

Color Diagnostics, LLC DBA Color Health
Classification: Likely benign for Cardiomyopathy. Last evaluated: 2019-08-02. Review status: criteria provided, single submitter. Criteria: ACMG Guidelines, 2015. Collection method: clinical testing. Allele origin: germline.

Breakthrough Genomics
Classification: Likely benign. Review status: criteria provided, single submitter. Criteria: ACMG Guidelines, 2015. Collection method: not provided. Allele origin: germline. Inheritance: Autosomal dominant inheritance. Affected: yes.

NM_000258.3(MYL3):c.435T>C (p.Asn145=)

Gene: MYL3 (myosin light chain 3; minus strand). Cytogenetic location: 3p21.31.
Variant type: single nucleotide variant.
Coding change: c.435T>C on transcript NM_000258.3 (MANE Select); coding-DNA position 435, T replaced by C.
Protein change: p.Asn145=; no amino-acid change (asparagine 145 retained).
Molecular consequence: synonymous variant.
Genome position (GRCh38, 1-based): chr3:46,859,521, A>G on the plus strand (T>C on the coding strand, the complement: MYL3 is on the minus strand). VCF-style: chr3-46859521-A-G. GRCh37 (hg19) VCF-style: chr3-46901011-A-G.
Identifiers: ClinVar variation 922301 (VCV000922301.10), dbSNP rs774762882, ClinGen allele CA044149.
Genomic context (GRCh38, chr3:46,859,521, plus strand): 5'-GAGGCTGCCCTCACCCAGCGTGGCCAGCACGTGGCGAAGCTCAGCACCCATGACAGTGCC[A>G]TTGCCCTCCTTGTCGAAGACCCGCAGCCCCTCCACGAAGTCCTCATAGGTGCCTGTGTCC-3'
Protein context (NP_000249.1, residues 135-155): EGLRVFDKEG[Asn145=]GTVMGAELRH